The following is an entry in ClinVar:

ClinVar aggregate classification (germline): Uncertain significance (1 of 4 stars; one submission).

Allele frequency attached by ClinVar (database versions not stated): gnomAD 0.00001.
gnomAD v4.1: 3 of 1,599,396 alleles (0.00019%); highest among the groups gnomAD compares: Non-Finnish European, 0.00017%; no homozygotes.

Submission:

Labcorp Genetics (formerly Invitae), Labcorp
Classification: Uncertain significance. Last evaluated: 2025-08-18. Review status: criteria provided, single submitter. Criteria: Invitae Variant Classification Sherloc (09022015). Collection method: clinical testing. Allele origin: germline.
Comment: This sequence change replaces leucine, which is neutral and non-polar, with valine, which is neutral and non-polar, at codon 796 of the CARMIL2 protein (p.Leu796Val). This variant is not present in population databases (gnomAD no frequency). This variant has not been reported in the literature in individuals affected with CARMIL2-related conditions. ClinVar contains an entry for this variant (Variation ID: 1429446). Invitae Evidence Modeling of protein sequence and biophysical properties (such as structural, functional, and spatial information, amino acid conservation, physicochemical variation, residue mobility, and thermodynamic stability) indicates that this missense variant is not expected to disrupt CARMIL2 protein function with a negative predictive value of 80%. In summary, the available evidence is currently insufficient to determine the role of this variant in disease. Therefore, it has been classified as a Variant of Uncertain Significance.

NM_001013838.3(CARMIL2):c.2386C>G (p.Leu796Val)

Gene: CARMIL2 (capping protein regulator and myosin 1 linker 2; plus strand). Cytogenetic location: 16q22.1.
Variant type: single nucleotide variant.
Coding change: c.2386C>G on transcript NM_001013838.3 (MANE Select); coding-DNA position 2386, C replaced by G.
Protein change: p.Leu796Val; replaces leucine 796 with valine.
Molecular consequence: missense variant.
Genome position (GRCh38, 1-based): chr16:67,651,473, C>G. VCF-style: chr16-67651473-C-G. GRCh37 (hg19) VCF-style: chr16-67685376-C-G.
Other names: c.2278C>G, p.Leu760Val (NM_001317026.3); short protein forms L760V, L796V.
Identifiers: ClinVar variation 1429446 (VCV001429446.8), dbSNP rs1201218716, ClinGen allele CA396340925.